The following is an entry in ClinVar:

NM_001365371.2(GOLGA6L7):c.1131G>A (p.Arg377=)

Gene: GOLGA6L7 (golgin A6 family like 7; minus strand). Cytogenetic location: 15q13.1.
Variant type: single nucleotide variant.
Coding change: c.1131G>A on transcript NM_001365371.2 (MANE Select); coding-DNA position 1131, G replaced by A.
Protein change: p.Arg377=; no amino-acid change (arginine 377 retained).
Molecular consequence: synonymous variant.
Genome position (GRCh38, 1-based): chr15:28,842,973, C>T on the plus strand (G>A on the coding strand, the complement: GOLGA6L7 is on the minus strand). VCF-style: chr15-28842973-C-T. GRCh37 (hg19) VCF-style: chr15-29088119-C-T.
Identifiers: ClinVar variation 2645094 (VCV002645094.24), dbSNP rs376999274, ClinGen allele CA268325505.

ClinVar aggregate classification (germline): Likely benign (1 of 4 stars; one submission).

Allele frequency attached by ClinVar (database versions not stated): gnomAD 0.00062.

Submission:

CeGaT Center for Human Genetics Tuebingen
Classification: Likely benign. Last evaluated: 2025-02-01. Review status: criteria provided, single submitter. Criteria: CeGaT Center For Human Genetics Tuebingen Variant Classification Criteria Version 2. Collection method: clinical testing. Allele origin: germline. Affected: yes. Observed: 4 variant alleles.
Comment: GOLGA6L7: BP4, BP7